The following is an entry in ClinVar:

NM_019100.5(DMAP1):c.394-1G>C

Gene: DMAP1 (DNA methyltransferase 1 associated protein 1; plus strand). Cytogenetic location: 1p34.1.
Variant type: single nucleotide variant.
Coding change: c.394-1G>C on transcript NM_019100.5 (MANE Select); the canonical splice acceptor site of the intron before coding-DNA position 394, G replaced by C.
Molecular consequence: splice acceptor variant.
Genome position (GRCh38, 1-based): chr1:44,218,310, G>C. VCF-style: chr1-44218310-G-C. GRCh37 (hg19) VCF-style: chr1-44683982-G-C.
Other names: c.394-1G>C (NM_001034023.2, NM_001034024.2).
Identifiers: ClinVar variation 1710473 (VCV001710473.3), dbSNP rs1643835115, ClinGen allele CA340059602.

ClinVar aggregate classification (germline): Uncertain significance (1 of 4 stars; one submission).

Allele frequency attached by ClinVar (database versions not stated): gnomAD 0.00001.
gnomAD v4.1: 2 of 1,614,138 alleles (0.00012%); highest among the groups gnomAD compares: African/African-American, 0.0013%; no homozygotes.

Submission:

Greenwood Genetic Center Diagnostic Laboratories, Greenwood Genetic Center
Classification: Uncertain significance. Last evaluated: 2022-07-29. Review status: criteria provided, single submitter. Criteria: ACMG Guidelines, 2015. Collection method: clinical testing. Allele origin: germline. Affected: yes.
Comment: PM2, PP3